The following is an entry in ClinVar:

ClinVar aggregate classification (germline): Uncertain significance. Review status: criteria provided, multiple submitters, no conflicts (2 of 4 stars). 3 submissions from 3 submitters: Uncertain significance (2). 1 of the submissions does not count toward it. Last evaluated 2024-07-02.

Conditions:
HBA2-related disorder. Also called: HBA2-related condition.
alpha Thalassemia. Also called: Alpha thalassemia spectrum. Identifiers: Orphanet 846, MedGen C0002312, MONDO:0011399, OMIM 604131.
Erythrocytosis, familial, 7. Also called: ERYTHROCYTOSIS 7; ERYTHROCYTOSIS, ALPHA-GLOBIN TYPE; POLYCYTHEMIA, ALPHA-GLOBIN TYPE. Identifiers: MedGen C4693823, MONDO:0054802, OMIM 617981.
Heinz body anemia. Also called: Heinz body hemolytic anemia. Identifiers: Orphanet 178330, MedGen C0700299, MONDO:0007705, OMIM 140700, HP:0005511.
Hemoglobin H disease (HBH). Also called: Hemoglobin H (HbH) Disease; ALPHA-THALASSEMIA, HEMOGLOBIN H TYPE; HEMOGLOBIN H DISEASE, DELETIONAL. Identifiers: Orphanet 93616, MedGen C3161174, MONDO:0013512, OMIM 613978. Disease mechanism: loss of function.

Allele frequency attached by ClinVar (database versions not stated): gnomAD exomes 0.00251.

Submissions (3):

Quest Diagnostics Nichols Institute San Juan Capistrano
Classification: Uncertain significance. Last evaluated: 2024-07-02. Review status: criteria provided, single submitter. Criteria: Quest Diagnostics criteria. Collection method: clinical testing. Allele origin: unknown.
Comment: The HBA2 c.-59C>T variant has been reported in the published literature in a heterozygous state in individuals with alpha thalassemia (PMIDs: 35638908 (2022), 38708170 (2024)) as well as individuals with a normal clinical presentation (PMID: 24300714 (2014)). This variant occurs in the TATA box element of the promoter of the alpha2-globin gene and was found to cause an approximately 50% reduction in the level of transcription of the alpha2-globin gene (PMID: 24300714 (2014)). This variant has not been reported in large, multi-ethnic general populations (Genome Aggregation Database). Based on the available information, we are unable to determine the clinical significance of this variant.

Fulgent Genetics
Classification: Uncertain significance for Heinz body anemia; alpha Thalassemia; Hemoglobin H disease; Erythrocytosis, familial, 7. Last evaluated: 2021-10-28. Review status: criteria provided, single submitter. Criteria: ACMG Guidelines, 2015. Collection method: clinical testing. Allele origin: unknown.

PreventionGenetics, part of Exact Sciences
Classification: Uncertain significance for HBA2-related condition. Last evaluated: 2024-07-24. Review status: no assertion criteria provided. Collection method: clinical testing. Allele origin: germline. Not counted in ClinVar's aggregate classification.
Comment: The HBA2 c.-59C>T variant is located in the 5' untranslated region. In vitro transcriptional studies have shown this variant to decrease HBA2 transcription (Qadah et al 2014. PubMed ID: 24300714). This variant has not been reported in a large population database, indicating this variant is rare. At this time, the clinical significance of this variant is uncertain due to the absence of conclusive functional and genetic evidence.

Literature cited by the submitters: PubMed 24300714 (cited by Quest Diagnostics Nichols Institute San Juan Capistrano); PubMed 38708170 (cited by Quest Diagnostics Nichols Institute San Juan Capistrano); PubMed 35701592 (cited by Quest Diagnostics Nichols Institute San Juan Capistrano); PubMed 35638908 (cited by Quest Diagnostics Nichols Institute San Juan Capistrano); PubMed 36567661 (cited by Quest Diagnostics Nichols Institute San Juan Capistrano); PubMed 33769430 (cited by Quest Diagnostics Nichols Institute San Juan Capistrano).

NM_000517.6(HBA2):c.-59C>T

Genes: HBA2 (hemoglobin subunit alpha 2; plus strand), LOC106804612 (hemoglobin subunit alpha 2 recombination region; plus strand). Cytogenetic location: 16p13.3.
Variant type: single nucleotide variant.
Coding change: c.-59C>T on transcript NM_000517.6 (MANE Select); 59 bases upstream of the start codon, C replaced by T.
Genome position (GRCh38, 1-based): chr16:172,854, C>T. VCF-style: chr16-172854-C-T. GRCh37 (hg19) VCF-style: chr16-222853-C-T.
Identifiers: ClinVar variation 827660 (VCV000827660.9), dbSNP rs1277780626, ClinGen allele CA645509201.